The following is an entry in ClinVar:

ClinVar aggregate classification (germline): Uncertain significance. Review status: criteria provided, multiple submitters, no conflicts (2 of 4 stars). 2 submissions from 2 submitters: Uncertain significance (2). Last evaluated 2023-03-29.

Conditions:
Inborn genetic diseases. Identifiers: MedGen C0950123, MeSH D030342.
Temtamy preaxial brachydactyly syndrome (TPBS). Identifiers: Orphanet 363417, MedGen C1854466, MONDO:0011533, OMIM 605282.

Allele frequency attached by ClinVar (database versions not stated): TOPMed 0.00001; gnomAD exomes 0.00002.
gnomAD v4.1: 20 of 1,145,794 alleles (0.0017%); highest among the groups gnomAD compares: Non-Finnish European, 0.0021%; no homozygotes.

Submissions (2):

Ambry Genetics
Classification: Uncertain significance for Inborn genetic diseases. Last evaluated: 2023-03-29. Review status: criteria provided, single submitter. Criteria: Ambry Variant Classification Scheme 2023. Collection method: clinical testing. Allele origin: germline.

Labcorp Genetics (formerly Invitae), Labcorp
Classification: Uncertain significance for Temtamy preaxial brachydactyly syndrome. Last evaluated: 2022-12-01. Review status: criteria provided, single submitter. Criteria: Invitae Variant Classification Sherloc (09022015). Collection method: clinical testing. Allele origin: germline.
Comment: This sequence change replaces valine, which is neutral and non-polar, with isoleucine, which is neutral and non-polar, at codon 17 of the CHSY1 protein (p.Val17Ile). In summary, the available evidence is currently insufficient to determine the role of this variant in disease. Therefore, it has been classified as a Variant of Uncertain Significance. Advanced modeling of protein sequence and biophysical properties (such as structural, functional, and spatial information, amino acid conservation, physicochemical variation, residue mobility, and thermodynamic stability) performed at Invitae indicates that this missense variant is not expected to disrupt CHSY1 protein function. This variant has not been reported in the literature in individuals affected with CHSY1-related conditions. The frequency data for this variant in the population databases is considered unreliable, as metrics indicate poor data quality at this position in the gnomAD database.

NM_014918.5(CHSY1):c.49G>A (p.Val17Ile)

Genes: CHSY1 (chondroitin sulfate synthase 1; minus strand), LOC130058068 (ATAC-STARR-seq lymphoblastoid silent region 6885; plus strand). Cytogenetic location: 15q26.3.
Variant type: single nucleotide variant.
Coding change: c.49G>A on transcript NM_014918.5 (MANE Select); coding-DNA position 49, G replaced by A.
Protein change: p.Val17Ile; replaces valine 17 with isoleucine.
Molecular consequence: missense variant.
Genome position (GRCh38, 1-based): chr15:101,251,408, C>T on the plus strand (G>A on the coding strand, the complement: CHSY1 is on the minus strand). VCF-style: chr15-101251408-C-T. GRCh37 (hg19) VCF-style: chr15-101791613-C-T.
Other names: short protein forms V17I.
Identifiers: ClinVar variation 2531438 (VCV002531438.5), dbSNP rs1421037190, ClinGen allele CA393971912.